The following is an entry in ClinVar:

NM_006531.5(IFT88):c.2395C>A (p.Pro799Thr)

Gene: IFT88 (intraflagellar transport 88; plus strand). Cytogenetic location: 13q12.11.
Variant type: single nucleotide variant.
Coding change: c.2395C>A on transcript NM_006531.5 (MANE Select); coding-DNA position 2395, C replaced by A.
Protein change: p.Pro799Thr; replaces proline 799 with threonine.
Molecular consequence: missense variant. On other transcripts: 3 prime UTR variant (1), non-coding transcript variant (5).
Genome position (GRCh38, 1-based): chr13:20,691,095, C>A. VCF-style: chr13-20691095-C-A. GRCh37 (hg19) VCF-style: chr13-21265234-C-A.
Other names: c.2338C>A, p.Pro780Thr (NM_001318491.2); c.2422C>A, p.Pro808Thr (NM_001318493.2, NM_001353565.2, NM_001353566.2 and 2 more transcripts); c.2395C>A, p.Pro799Thr (NM_001353568.2); c.2320C>A, p.Pro774Thr (NM_001353569.2, NM_001353570.2); c.2293C>A, p.Pro765Thr (NM_001353571.2); c.2284C>A, p.Pro762Thr (NM_001353572.2); c.2251C>A, p.Pro751Thr (NM_001353573.2); c.2236C>A, p.Pro746Thr (NM_001353574.2); and 4 more; short protein forms P588T, P762T, P765T, P774T, P780T, P737T, P746T, P728T.
Identifiers: ClinVar variation 1427400 (VCV001427400.6), dbSNP rs776916841, ClinGen allele CA6905773.
Genomic context (GRCh38, chr13:20,691,095, plus strand): 5'-CAATCTCTTCGAAACCTAGATGCCTCCTATGTGGACCCACTTGGCCCTCAAATAGAACGA[C>A]CAAAAACTGCAGCCAAGAAAAGGATCGATGAGGATGATTTTGCTGATGAAGAATTAGGAG-3'
Protein context (NP_006522.2, residues 789-809): VDPLGPQIER[Pro799Thr]KTAAKKRIDE

ClinVar aggregate classification (germline): Uncertain significance (1 of 4 stars; one submission).

Allele frequency attached by ClinVar (database versions not stated): gnomAD 0.00001; gnomAD exomes 0.00002.
gnomAD v4.1: 37 of 1,613,778 alleles (0.0023%); highest among the groups gnomAD compares: Admixed American, 0.013%; no homozygotes.

Submission:

Labcorp Genetics (formerly Invitae), Labcorp
Classification: Uncertain significance. Last evaluated: 2025-11-08. Review status: criteria provided, single submitter. Criteria: Invitae Variant Classification Sherloc (09022015). Collection method: clinical testing. Allele origin: germline.
Comment: This sequence change replaces proline, which is neutral and non-polar, with threonine, which is neutral and polar, at codon 808 of the IFT88 protein (p.Pro808Thr). This variant is present in population databases (rs776916841, gnomAD 0.01%). This variant has not been reported in the literature in individuals affected with IFT88-related conditions. ClinVar contains an entry for this variant (Variation ID: 1427400). An algorithm developed to predict the effect of missense changes on protein structure and function (PolyPhen-2) suggests that this variant is likely to be tolerated. In summary, the available evidence is currently insufficient to determine the role of this variant in disease. Therefore, it has been classified as a Variant of Uncertain Significance.